The following is an entry in ClinVar:

NM_030962.4(SBF2):c.754_823del (p.Tyr252fs)

Gene: SBF2 (SET binding factor 2; minus strand). Cytogenetic location: 11p15.4.
Variant type: Deletion.
Coding change: c.754_823del on transcript NM_030962.4 (MANE Select); coding-DNA positions 754 to 823, 70 bases deleted.
Protein change: p.Tyr252fs; shifts the reading frame from tyrosine 252.
Molecular consequence: frameshift variant.
Genome position (GRCh38, 1-based): chr11:10,000,952-10,001,021, 70 bases deleted. GRCh37 (hg19): chr11:10,022,499-10,022,568.
Other names: c.754_823del, p.Tyr252fs (NM_001386339.1, NM_001386342.1); short protein forms Y252fs.
Identifiers: ClinVar variation 582946 (VCV000582946.7), dbSNP rs1565115957, ClinGen allele CA891842862.

ClinVar aggregate classification (germline): Pathogenic (1 of 4 stars; one submission).

Conditions:
Charcot-Marie-Tooth disease type 4. Also called: Charcot-Marie-Tooth disease, type IV; Charcot-Marie-Tooth, Type 4. Identifiers: Orphanet 64749, MedGen C4082197, MONDO:0018995.

Submission:

Labcorp Genetics (formerly Invitae), Labcorp
Classification: Pathogenic for Charcot-Marie-Tooth disease type 4. Last evaluated: 2022-07-18. Review status: criteria provided, single submitter. Criteria: Invitae Variant Classification Sherloc (09022015). Collection method: clinical testing. Allele origin: germline.
Comment: For these reasons, this variant has been classified as Pathogenic. Algorithms developed to predict the effect of sequence changes on RNA splicing suggest that this variant may disrupt the consensus splice site. ClinVar contains an entry for this variant (Variation ID: 582946). This variant has not been reported in the literature in individuals affected with SBF2-related conditions. This variant is not present in population databases (gnomAD no frequency). This sequence change creates a premature translational stop signal (p.Tyr252Glufs*14) in the SBF2 gene. It is expected to result in an absent or disrupted protein product. Loss-of-function variants in SBF2 are known to be pathogenic (PMID: 12687498, 25873783).

Literature cited by the submitters: PubMed 12687498; PubMed 25873783.